The following is an entry in ClinVar:

NM_022114.4(PRDM16):c.1406T>A (p.Met469Lys)

Gene: PRDM16 (PR/SET domain 16; plus strand). Cytogenetic location: 1p36.32.
Variant type: single nucleotide variant.
Coding change: c.1406T>A on transcript NM_022114.4 (MANE Select); coding-DNA position 1406, T replaced by A.
Protein change: p.Met469Lys; replaces methionine 469 with lysine.
Molecular consequence: missense variant.
Genome position (GRCh38, 1-based): chr1:3,411,603, T>A. VCF-style: chr1-3411603-T-A. GRCh37 (hg19) VCF-style: chr1-3328167-T-A.
Other names: c.1406T>A, p.Met469Lys (NM_199454.3); short protein forms M469K.
Identifiers: ClinVar variation 3623453 (VCV003623453.2).

ClinVar aggregate classification (germline): Uncertain significance (1 of 4 stars; one submission).

Conditions:
Left ventricular noncompaction 8 (LVNC8). Identifiers: Orphanet 154, Orphanet 54260, MedGen C3809288, MONDO:0014152, OMIM 615373.

Submission:

Labcorp Genetics (formerly Invitae), Labcorp
Classification: Uncertain significance for Left ventricular noncompaction 8. Last evaluated: 2024-02-17. Review status: criteria provided, single submitter. Criteria: Invitae Variant Classification Sherloc (09022015). Collection method: clinical testing. Allele origin: germline.
Comment: This sequence change replaces methionine, which is neutral and non-polar, with lysine, which is basic and polar, at codon 469 of the PRDM16 protein (p.Met469Lys). This variant is not present in population databases (gnomAD no frequency). This variant has not been reported in the literature in individuals affected with PRDM16-related conditions. An algorithm developed to predict the effect of missense changes on protein structure and function (PolyPhen-2) suggests that this variant is likely to be tolerated. In summary, the available evidence is currently insufficient to determine the role of this variant in disease. Therefore, it has been classified as a Variant of Uncertain Significance.